The following is an entry in ClinVar:

ClinVar aggregate classification (germline): Likely pathogenic (1 of 4 stars; one submission).

Submission:

Labcorp Genetics (formerly Invitae), Labcorp
Classification: Likely pathogenic. Last evaluated: 2022-03-01. Review status: criteria provided, single submitter. Criteria: Invitae Variant Classification Sherloc (09022015). Collection method: clinical testing. Allele origin: germline.
Comment: This variant is not present in population databases (gnomAD no frequency). This sequence change affects an acceptor splice site in intron 39 of the COL4A3 gene. It is expected to disrupt RNA splicing. Variants that disrupt the donor or acceptor splice site typically lead to a loss of protein function (PMID: 16199547), and loss-of-function variants in COL4A3 are known to be pathogenic (PMID: 8956999, 24854265, 26809805, 27281700). This variant has not been reported in the literature in individuals affected with COL4A3-related conditions. Algorithms developed to predict the effect of sequence changes on RNA splicing suggest that this variant may disrupt the consensus splice site. In summary, the currently available evidence indicates that the variant is pathogenic, but additional data are needed to prove that conclusively. Therefore, this variant has been classified as Likely Pathogenic.

Literature cited by the submitters: PubMed 16199547; PubMed 8956999; PubMed 24854265; PubMed 26809805; PubMed 27281700.

NM_000091.5(COL4A3):c.3419-2A>G

Genes: COL4A3 (collagen type IV alpha 3 chain; plus strand), MFF-DT (MFF divergent transcript; minus strand). Cytogenetic location: 2q36.3.
Variant type: single nucleotide variant.
Coding change: c.3419-2A>G on transcript NM_000091.5 (MANE Select); the canonical splice acceptor site of the intron before coding-DNA position 3419, A replaced by G.
Molecular consequence: splice acceptor variant.
Genome position (GRCh38, 1-based): chr2:227,294,962, A>G. VCF-style: chr2-227294962-A-G. GRCh37 (hg19) VCF-style: chr2-228159678-A-G.
Identifiers: ClinVar variation 2101584 (VCV002101584.4), dbSNP rs867811322, ClinGen allele CA350858660.